The following is an entry in ClinVar:

NM_000642.3(AGL):c.1513dup (p.Leu505fs)

Gene: AGL (amylo-alpha-1,6-glucosidase and 4-alpha-glucanotransferase; plus strand). Cytogenetic location: 1p21.2.
Variant type: Duplication.
Coding change: c.1513dup on transcript NM_000642.3 (MANE Select); coding-DNA position 1513, one base duplicated (C; older notation c.1513dupC).
Protein change: p.Leu505fs; shifts the reading frame from leucine 505.
Molecular consequence: frameshift variant.
Genome position (GRCh38, 1-based): chr1:99,877,730, C duplicated. VCF-style (leftmost placement, unchanged base first): chr1-99877729-T-TC. GRCh37 (hg19) VCF-style: chr1-100343285-T-TC.
Other names: c.1513dup, p.Leu505Profs (NM_000028.3, NM_000643.3, NM_000644.3 and 2 more transcripts); c.1465dup, p.Leu489Profs (NM_000646.3); c.1312dup, p.Leu438Profs (NM_001425327.1); c.1309dup, p.Leu437Profs (NM_001425328.1, NM_001425329.1); c.1135dup, p.Leu379Profs (NM_001425332.1); short protein forms L505fs, L489fs.
Identifiers: ClinVar variation 2107671 (VCV002107671.4), dbSNP rs2524621364, ClinGen allele CA2580063365.

ClinVar aggregate classification (germline): Pathogenic (1 of 4 stars; one submission).

Conditions:
Glycogen storage disease type III (GSD3). Also called: FORBES DISEASE; Cori disease. Identifiers: Orphanet 366, MedGen C0017922, MONDO:0009291, OMIM 232400.

Submission:

Labcorp Genetics (formerly Invitae), Labcorp
Classification: Pathogenic for Glycogen storage disease type III. Last evaluated: 2022-03-08. Review status: criteria provided, single submitter. Criteria: Invitae Variant Classification Sherloc (09022015). Collection method: clinical testing. Allele origin: germline.
Comment: This variant has not been reported in the literature in individuals affected with AGL-related conditions. This variant is not present in population databases (gnomAD no frequency). This sequence change creates a premature translational stop signal (p.Leu505Profs*10) in the AGL gene. It is expected to result in an absent or disrupted protein product. Loss-of-function variants in AGL are known to be pathogenic (PMID: 19299494). For these reasons, this variant has been classified as Pathogenic.

Literature cited by the submitters: PubMed 19299494.